The following is an entry in ClinVar:

ClinVar aggregate classification (germline): Uncertain significance (1 of 4 stars; one submission).

Submission:

GeneDx
Classification: Uncertain significance. Last evaluated: 2026-03-09. Review status: criteria provided, single submitter. Criteria: GeneDx Variant Classification Process June 2021. Collection method: clinical testing. Allele origin: germline.
Comment: Not observed at significant frequency in large population cohorts (gnomAD); In silico analysis supports that this missense variant has a deleterious effect on protein structure/function; Has not been previously published as pathogenic or benign to our knowledge

NM_001829.4(CLCN3):c.1417G>A (p.Asp473Asn)

Gene: CLCN3 (Cl-/H+ antiporter 3; plus strand). Cytogenetic location: 4q33.
Variant type: single nucleotide variant.
Coding change: c.1417G>A on transcript NM_001829.4 (MANE Select); coding-DNA position 1417, G replaced by A.
Protein change: p.Asp473Asn; replaces aspartic acid 473 with asparagine.
Molecular consequence: missense variant.
Genome position (GRCh38, 1-based): chr4:169,697,588, G>A. VCF-style: chr4-169697588-G-A. GRCh37 (hg19) VCF-style: chr4-170618739-G-A.
Other names: c.1336G>A, p.Asp446Asn (NM_001243372.2, NM_001243374.2); c.1417G>A, p.Asp473Asn (NM_173872.4); short protein forms D473N, D446N.
Identifiers: ClinVar variation 5008871 (VCV005008871.1).
Genomic context (GRCh38, chr4:169,697,588, plus strand): 5'-AGTGAACTGATCAAAGAGCTTTTTACAGACTGTGGTCCCCTGGAATCCTCTTCTCTTTGT[G>A]ACTACAGAAATGACATGAATGCCAGTAAAATTGTCGATGACATTCCTGATCGTCCAGCAG-3'
Protein context (NP_001820.2, residues 463-483): CGPLESSSLC[Asp473Asn]YRNDMNASKI